The following is an entry in ClinVar:

NM_000492.4(CFTR):c.3049G>C (p.Val1017Leu)

Genes: CFTR (CF transmembrane conductance regulator; plus strand), CFTR-AS2 (CFTR antisense RNA 2; minus strand), LOC111674472 (DNase I hypersensitive sites in introns 16 and 17a of CFTR; plus strand). Cytogenetic location: 7q31.2.
Variant type: single nucleotide variant.
Coding change: c.3049G>C on transcript NM_000492.4 (MANE Select); coding-DNA position 3049, G replaced by C.
Protein change: p.Val1017Leu; replaces valine 1017 with leucine.
Molecular consequence: missense variant.
Genome position (GRCh38, 1-based): chr7:117,610,579, G>C. VCF-style: chr7-117610579-G-C. GRCh37 (hg19) VCF-style: chr7-117250633-G-C.
Other names: short protein forms V1017L.
Identifiers: ClinVar variation 3625972 (VCV003625972.2).

ClinVar aggregate classification (germline): Uncertain significance (1 of 4 stars; one submission).

Conditions:
Cystic fibrosis (CF). Also called: MUCOVISCIDOSIS. Identifiers: Orphanet 586, MedGen C0010674, MONDO:0009061, OMIM 219700. Disease mechanism: loss of function.

Submission:

Labcorp Genetics (formerly Invitae), Labcorp
Classification: Uncertain significance for Cystic fibrosis. Last evaluated: 2024-08-20. Review status: criteria provided, single submitter. Criteria: Invitae Variant Classification Sherloc (09022015). Collection method: clinical testing. Allele origin: germline.
Comment: This sequence change replaces valine, which is neutral and non-polar, with leucine, which is neutral and non-polar, at codon 1017 of the CFTR protein (p.Val1017Leu). This variant is not present in population databases (gnomAD no frequency). This variant has not been reported in the literature in individuals affected with CFTR-related conditions. Invitae Evidence Modeling of protein sequence and biophysical properties (such as structural, functional, and spatial information, amino acid conservation, physicochemical variation, residue mobility, and thermodynamic stability) indicates that this missense variant is not expected to disrupt CFTR protein function with a negative predictive value of 80%. In summary, the available evidence is currently insufficient to determine the role of this variant in disease. Therefore, it has been classified as a Variant of Uncertain Significance.